The following is an entry in ClinVar:

ClinVar aggregate classification (germline): Uncertain significance (1 of 4 stars; one submission).

Allele frequency attached by ClinVar (database versions not stated): gnomAD 0.00001; TOPMed 0.00001.

Submission:

Ambry Genetics
Classification: Uncertain significance. Last evaluated: 2024-10-27. Review status: criteria provided, single submitter. Criteria: Ambry Variant Classification Scheme 2023. Collection method: clinical testing. Allele origin: germline.
Comment: The p.M199V variant (also known as c.595A>G), located in coding exon 4 of the IDH1 gene, results from an A to G substitution at nucleotide position 595. The methionine at codon 199 is replaced by valine, an amino acid with highly similar properties. This amino acid position is conserved. In addition, this alteration is predicted to be deleterious by in silico analysis. Since supporting evidence is limited at this time, the clinical significance of this alteration remains unclear.

NM_005896.4(IDH1):c.595A>G (p.Met199Val)

Gene: IDH1 (isocitrate dehydrogenase (NADP(+)) 1; minus strand). Cytogenetic location: 2q34.
Variant type: single nucleotide variant.
Coding change: c.595A>G on transcript NM_005896.4 (MANE Select); coding-DNA position 595, A replaced by G.
Protein change: p.Met199Val; replaces methionine 199 with valine.
Molecular consequence: missense variant.
Genome position (GRCh38, 1-based): chr2:208,243,530, T>C on the plus strand (A>G on the coding strand, the complement: IDH1 is on the minus strand). VCF-style: chr2-208243530-T-C. GRCh37 (hg19) VCF-style: chr2-209108254-T-C.
Other names: c.595A>G, p.Met199Val (NM_001282386.1, NM_001282387.1); short protein forms M199V.
Identifiers: ClinVar variation 1750713 (VCV001750713.3), dbSNP rs1422685682, ClinGen allele CA350099317.